The following is an entry in ClinVar:

NM_002691.4(POLD1):c.579C>A (p.Cys193Ter)

Gene: POLD1 (DNA polymerase delta 1, catalytic subunit; plus strand). Cytogenetic location: 19q13.33.
Variant type: single nucleotide variant.
Coding change: c.579C>A on transcript NM_002691.4 (MANE Select); coding-DNA position 579, C replaced by A.
Protein change: p.Cys193Ter; replaces cysteine 193 with a stop codon.
Molecular consequence: nonsense. On other transcripts: non-coding transcript variant (1).
Genome position (GRCh38, 1-based): chr19:50,402,114, C>A. VCF-style: chr19-50402114-C-A. GRCh37 (hg19) VCF-style: chr19-50905371-C-A.
Other names: c.579C>A, p.Cys193Ter (NM_001256849.1, NM_001308632.1); short protein forms C193*.
Identifiers: ClinVar variation 2767693 (VCV002767693.3), dbSNP rs2038666612, ClinGen allele CA406973467.

ClinVar aggregate classification (germline): Uncertain significance (1 of 4 stars; one submission).

Conditions:
POLD1-related polyposis and colorectal cancer syndrome (CRCS10). Also called: Colorectal cancer 10; Colorectal cancer, susceptibility to, 10; COLORECTAL CANCER, SUSCEPTIBILITY TO, ON CHROMOSOME 19q. Identifiers: Orphanet 220460, MedGen C2675481, MONDO:0012953, OMIM 612591.

Submission:

Labcorp Genetics (formerly Invitae), Labcorp
Classification: Uncertain significance for POLD1-related polyposis and colorectal cancer syndrome. Last evaluated: 2023-10-12. Review status: criteria provided, single submitter. Criteria: Invitae Variant Classification Sherloc (09022015). Collection method: clinical testing. Allele origin: germline.
Comment: This sequence change creates a premature translational stop signal (p.Cys193*) in the POLD1 gene. Missense variants that disrupt the 3'-5' exonuclease (proof-reading) activity of the POLD1 protein are associated with PPAP (polymerase proofreading–associated polyposis) (PMID: 23263490, 23447401). However, loss-of-function variants that result in an absent or severely disrupted POLD1 protein, and missense variants outside the exonuclease domain, are unlikely to be associated with PPAP. This variant is not present in population databases (gnomAD no frequency). This variant has not been reported in the literature in individuals affected with POLD1-related conditions. In summary, the available evidence is currently insufficient to determine the role of this variant in disease. Therefore, it has been classified as a Variant of Uncertain Significance.

Literature cited by the submitters: PubMed 23263490; PubMed 23447401.